The following is an entry in ClinVar:

NM_031293.3(PMFBP1):c.1949C>A (p.Thr650Lys)

Gene: PMFBP1 (polyamine modulated factor 1 binding protein 1; minus strand). Cytogenetic location: 16q22.2.
Variant type: single nucleotide variant.
Coding change: c.1949C>A on transcript NM_031293.3 (MANE Select); coding-DNA position 1949, C replaced by A.
Protein change: p.Thr650Lys; replaces threonine 650 with lysine.
Molecular consequence: missense variant.
Genome position (GRCh38, 1-based): chr16:72,129,067, G>T on the plus strand (C>A on the coding strand, the complement: PMFBP1 is on the minus strand). VCF-style: chr16-72129067-G-T. GRCh37 (hg19) VCF-style: chr16-72162966-G-T.
Other names: c.1514C>A, p.Thr505Lys (NM_001160213.2); short protein forms T505K, T650K.
Identifiers: ClinVar variation 1253004 (VCV001253004.5), dbSNP rs34832584, ClinGen allele CA8161532.

ClinVar aggregate classification (germline): Benign. Review status: criteria provided, multiple submitters, no conflicts (2 of 4 stars). 3 submissions from 3 submitters: Benign (2). 1 of the submissions does not count toward it. Last evaluated 2019-01-11.

Conditions:
PMFBP1-related disorder. Also called: PMFBP1-related condition.

Allele frequency attached by ClinVar (database versions not stated): 1000 Genomes Project 0.08706; ESP Exome Variant Server 0.12034.
gnomAD v4.1: 247,436 of 1,613,376 alleles (15%); highest among the groups gnomAD compares: South Asian, 19%; 21,118 homozygotes.

Submissions (3):

GeneDx
Classification: Benign. Last evaluated: 2019-01-11. Review status: criteria provided, single submitter. Criteria: GeneDx Variant Classification Process June 2021. Collection method: clinical testing. Allele origin: germline. Affected: yes.
Comment: This variant is associated with the following publications: (PMID: 29083407)

Breakthrough Genomics
Classification: Benign. Review status: criteria provided, single submitter. Criteria: ACMG Guidelines, 2015. Collection method: not provided. Allele origin: germline. Inheritance: Autosomal recessive inheritance. Affected: yes.

PreventionGenetics, part of Exact Sciences
Classification: Benign for PMFBP1-related condition. Last evaluated: 2019-10-31. Review status: no assertion criteria provided. Collection method: clinical testing. Allele origin: germline. Not counted in ClinVar's aggregate classification.
Comment: This variant is classified as benign based on ACMG/AMP sequence variant interpretation guidelines (Richards et al. 2015 PMID: 25741868, with internal and published modifications).